The following is an entry in ClinVar:

NM_002382.5(MAX):c.315G>A (p.Ala105=)

Gene: MAX (MYC associated transcriptional regulator X; minus strand). Cytogenetic location: 14q23.3.
Variant type: single nucleotide variant.
Coding change: c.315G>A on transcript NM_002382.5 (MANE Select); coding-DNA position 315, G replaced by A.
Protein change: p.Ala105=; no amino-acid change (alanine 105 retained).
Molecular consequence: synonymous variant. On other transcripts: 3 prime UTR variant (12), non-coding transcript variant (7), intron variant (2).
Genome position (GRCh38, 1-based): chr14:65,076,644, C>T on the plus strand (G>A on the coding strand, the complement: MAX is on the minus strand). VCF-style: chr14-65076644-C-T. GRCh37 (hg19) VCF-style: chr14-65543362-C-T.
Other names: c.126G>A, p.Ala42= (NM_001320415.2, NM_001407105.1, NM_001407106.1 and 1 more transcripts); c.315G>A, p.Ala105= (NM_001407094.1); c.288G>A, p.Ala96= (NM_001407095.1, NM_145112.3); c.*88G>A (NM_001407096.1, NM_001407099.1, NM_001407102.1 and 2 more transcripts); c.*104G>A (NM_001407097.1, NM_001407100.1, NM_001407101.1 and 4 more transcripts); c.207G>A, p.Ala69= (NM_001407098.1); c.114G>A, p.Ala38= (NM_001407111.1, NM_001407112.1); c.144+17064G>A (NM_001271069.2); and 1 more.
Identifiers: ClinVar variation 513738 (VCV000513738.14), dbSNP rs761220254, ClinGen allele CA7232810.

ClinVar aggregate classification (germline): Benign/Likely benign. Review status: criteria provided, multiple submitters, no conflicts (2 of 4 stars). 4 submissions from 4 submitters: Benign (1); Likely benign (3). Last evaluated 2026-06-08.

Conditions:
Hereditary cancer-predisposing syndrome. Also called: Hereditary neoplastic syndrome; Neoplastic Syndromes, Hereditary; Hereditary Cancer Syndrome; Tumor predisposition. Identifiers: Orphanet 140162, MedGen C0027672, MeSH D009386, MONDO:0015356.
Hereditary pheochromocytoma and paraganglioma. Also called: Hereditary pheochromocytoma-paraganglioma; Hereditary Paraganglioma-Pheochromocytoma Syndromes; Hereditary paragangliomas and pheochromocytomas. Identifiers: Orphanet 29072, MedGen C4274332, MONDO:0017366.
Pheochromocytoma. Also called: MAX-Related Hereditary Paraganglioma-Pheochromocytoma Syndrome. Identifiers: Orphanet 29072, MedGen C0031511, MONDO:0008233, OMIM 171300, HP:0002666.

Allele frequency attached by ClinVar (database versions not stated): gnomAD exomes below 0.00001; TOPMed 0.00002; ExAC 0.00001.
gnomAD v4.1: 6 of 1,614,178 alleles (0.00037%); highest among the groups gnomAD compares: East Asian, 0.0022%; no homozygotes.

Submissions (4):

Myriad Genetics, Inc.
Classification: Benign for Pheochromocytoma. Last evaluated: 2026-06-08. Review status: criteria provided, single submitter. Criteria: Myriad Autosomal Dominant, Autosomal Recessive and X-Linked Classification Criteria (2023). Collection method: clinical testing. Allele origin: unknown.
Comment: This variant is considered benign. This variant is a silent/synonymous amino acid change and it is not expected to impact splicing.

Labcorp Genetics (formerly Invitae), Labcorp
Classification: Likely benign for Hereditary pheochromocytoma and paraganglioma. Last evaluated: 2025-12-08. Review status: criteria provided, single submitter. Criteria: Invitae Variant Classification Sherloc (09022015). Collection method: clinical testing. Allele origin: germline.

Ambry Genetics
Classification: Likely benign for Hereditary cancer-predisposing syndrome. Last evaluated: 2023-02-23. Review status: criteria provided, single submitter. Criteria: Ambry Variant Classification Scheme 2023. Collection method: clinical testing. Allele origin: germline.

GeneDx
Classification: Likely benign. Last evaluated: 2017-11-28. Review status: criteria provided, single submitter. Criteria: GeneDx Variant Classification (06012015). Collection method: clinical testing. Allele origin: germline. Affected: yes.
Comment: This variant is considered likely benign or benign based on one or more of the following criteria: it is a conservative change, it occurs at a poorly conserved position in the protein, it is predicted to be benign by multiple in silico algorithms, and/or has population frequency not consistent with disease.